The following is an entry in ClinVar:

NM_001906.6(CTRB1):c.198C>T (p.Ser66=)

Gene: CTRB1 (chymotrypsinogen B1; plus strand). Cytogenetic location: 16q23.1.
Variant type: single nucleotide variant.
Coding change: c.198C>T on transcript NM_001906.6 (MANE Select); coding-DNA position 198, C replaced by T.
Protein change: p.Ser66=; no amino-acid change (serine 66 retained).
Molecular consequence: synonymous variant.
Genome position (GRCh38, 1-based): chr16:75,223,010, C>T. VCF-style: chr16-75223010-C-T. GRCh37 (hg19) VCF-style: chr16-75256908-C-T.
Other names: c.198C>T, p.Ser66= (NM_001329190.2).
Identifiers: ClinVar variation 2646870 (VCV002646870.24), dbSNP rs988924329, ClinGen allele CA283811392.
Genomic context (GRCh38, chr16:75,223,010, plus strand): 5'-CTCCCCATCTTGCTCACAGGACAAAACCGGCTTCCACTTCTGCGGGGGCTCCCTCATCAG[C>T]GAGGACTGGGTGGTCACCGCTGCCCACTGCGGGGTCAGGTGAGGACCGGGCAGCCTTGGG-3'
Protein context (NP_001897.4, residues 56-76): GFHFCGGSLI[Ser66=]EDWVVTAAHC

ClinVar aggregate classification (germline): Likely benign (1 of 4 stars; one submission).

Submission:

CeGaT Center for Human Genetics Tuebingen
Classification: Likely benign. Last evaluated: 2022-10-01. Review status: criteria provided, single submitter. Criteria: CeGaT Center For Human Genetics Tuebingen Variant Classification Criteria Version 2. Collection method: clinical testing. Allele origin: germline. Affected: yes. Observed: 1 variant allele.
Comment: CTRB1: BP4, BP7